The following is an entry in ClinVar:

ClinVar aggregate classification (germline): Uncertain significance (1 of 4 stars; one submission).

Conditions:
Frontotemporal dementia and/or amyotrophic lateral sclerosis 4. Also called: FTDALS4. Identifiers: Orphanet 275872, MedGen C4225325, MONDO:0014641, OMIM 616439.

gnomAD v4.1: 3 of 1,609,752 alleles (0.00019%); highest among the groups gnomAD compares: East Asian, 0.0067%; no homozygotes.

Submission:

Labcorp Genetics (formerly Invitae), Labcorp
Classification: Uncertain significance for Frontotemporal dementia and/or amyotrophic lateral sclerosis 4. Last evaluated: 2025-11-13. Review status: criteria provided, single submitter. Criteria: Invitae Variant Classification Sherloc (09022015). Collection method: clinical testing. Allele origin: germline.
Comment: This sequence change replaces tyrosine, which is neutral and polar, with asparagine, which is neutral and polar, at codon 677 of the TBK1 protein (p.Tyr677Asn). This variant is present in population databases (no rsID available, gnomAD 0.01%). This missense change has been observed in individual(s) with TBK1-related conditions (PMID: 35283724). Invitae Evidence Modeling of protein sequence and biophysical properties (such as structural, functional, and spatial information, amino acid conservation, physicochemical variation, residue mobility, and thermodynamic stability) indicates that this missense variant is not expected to disrupt TBK1 protein function with a negative predictive value of 95%. In summary, the available evidence is currently insufficient to determine the role of this variant in disease. Therefore, it has been classified as a Variant of Uncertain Significance.

Literature cited by the submitters: PubMed 35283724.

NM_013254.4(TBK1):c.2029T>A (p.Tyr677Asn)

Gene: TBK1 (TANK binding kinase 1; plus strand). Cytogenetic location: 12q14.2.
Variant type: single nucleotide variant.
Coding change: c.2029T>A on transcript NM_013254.4 (MANE Select); coding-DNA position 2029, T replaced by A.
Protein change: p.Tyr677Asn; replaces tyrosine 677 with asparagine.
Molecular consequence: missense variant.
Genome position (GRCh38, 1-based): chr12:64,497,717, T>A. VCF-style: chr12-64497717-T-A. GRCh37 (hg19) VCF-style: chr12-64891497-T-A.
Other names: short protein forms Y677N.
Identifiers: ClinVar variation 4741150 (VCV004741150.1).
Genomic context (GRCh38, chr12:64,497,717, plus strand): 5'-ACTCTGCCTCAGAAAATGTTTACAGCTTCCAGTGGAATCAAACATACCATGACCCCAATT[T>A]ATCCAAGTTCTAACACATTAGTAGAAATGACTCTTGGGTAAGAAACTCATCATTTGGAAA-3'
Protein context (NP_037386.1, residues 667-687): SGIKHTMTPI[Tyr677Asn]PSSNTLVEMT